The following is an entry in ClinVar:

ClinVar aggregate classification (germline): Likely benign (0 of 4 stars; one submission).

Conditions:
CREBBP-related disorder. Also called: CREBBP-related condition; CREBBP-related disorders.

gnomAD v4.1: 5 of 1,611,982 alleles (0.00031%); highest among the groups gnomAD compares: Admixed American, 0.0017%; no homozygotes.

Submission:

PreventionGenetics, part of Exact Sciences
Classification: Likely benign for CREBBP-related condition. Last evaluated: 2021-07-01. Review status: no assertion criteria provided. Collection method: clinical testing. Allele origin: germline.
Comment: This variant is classified as likely benign based on ACMG/AMP sequence variant interpretation guidelines (Richards et al. 2015 PMID: 25741868, with internal and published modifications).

NM_004380.3(CREBBP):c.6765C>T (p.Pro2255=)

Gene: CREBBP (CREB binding lysine acetyltransferase; minus strand). Cytogenetic location: 16p13.3.
Variant type: single nucleotide variant.
Coding change: c.6765C>T on transcript NM_004380.3 (MANE Select); coding-DNA position 6765, C replaced by T.
Protein change: p.Pro2255=; no amino-acid change (proline 2255 retained).
Molecular consequence: synonymous variant.
Genome position (GRCh38, 1-based): chr16:3,728,282, G>A on the plus strand (C>T on the coding strand, the complement: CREBBP is on the minus strand). VCF-style: chr16-3728282-G-A. GRCh37 (hg19) VCF-style: chr16-3778283-G-A.
Other names: c.6651C>T, p.Pro2217= (NM_001079846.1).
Identifiers: ClinVar variation 3358309 (VCV003358309.1).
Genomic context (GRCh38, chr16:3,728,282, plus strand): 5'-CCCCATCTGGCCAAGCTGTCCCATCTGAGCCGCCATCTGGCCCATGGAGCTGCCCTGGAG[G>A]GGGAGATGCTGCTGCATGCGCTGCTGCTGCTGCATGGCCGGTGGGTAGCCTCCGGGTCCT-3'
Protein context (NP_004371.2, residues 2245-2265): QQQQRMQQHL[Pro2255=]LQGSSMGQMA